The following is an entry in ClinVar:

ClinVar aggregate classification (germline): Uncertain significance (1 of 4 stars; one submission).

Conditions:
Familial cold autoinflammatory syndrome 2 (FCAS2). Identifiers: Orphanet 247868, MedGen C2673198, MONDO:0012724, OMIM 611762.

Submission:

Labcorp Genetics (formerly Invitae), Labcorp
Classification: Uncertain significance for Familial cold autoinflammatory syndrome 2. Last evaluated: 2024-02-05. Review status: criteria provided, single submitter. Criteria: Invitae Variant Classification Sherloc (09022015). Collection method: clinical testing. Allele origin: germline.
Comment: This sequence change replaces glycine, which is neutral and non-polar, with alanine, which is neutral and non-polar, at codon 468 of the NLRP12 protein (p.Gly468Ala). This variant is not present in population databases (gnomAD no frequency). This variant has not been reported in the literature in individuals affected with NLRP12-related conditions. Advanced modeling of protein sequence and biophysical properties (such as structural, functional, and spatial information, amino acid conservation, physicochemical variation, residue mobility, and thermodynamic stability) performed at Invitae indicates that this missense variant is expected to disrupt NLRP12 protein function with a positive predictive value of 80%. In summary, the available evidence is currently insufficient to determine the role of this variant in disease. Therefore, it has been classified as a Variant of Uncertain Significance.

NM_144687.4(NLRP12):c.1403G>C (p.Gly468Ala)

Gene: NLRP12 (NLR family pyrin domain containing 12; minus strand). Cytogenetic location: 19q13.42.
Variant type: single nucleotide variant.
Coding change: c.1403G>C on transcript NM_144687.4 (MANE Select); coding-DNA position 1403, G replaced by C.
Protein change: p.Gly468Ala; replaces glycine 468 with alanine.
Molecular consequence: missense variant.
Genome position (GRCh38, 1-based): chr19:53,810,256, C>G on the plus strand (G>C on the coding strand, the complement: NLRP12 is on the minus strand). VCF-style: chr19-53810256-C-G. GRCh37 (hg19) VCF-style: chr19-54313510-C-G.
Other names: c.1403G>C, p.Gly468Ala (NM_001277126.2, NM_001277129.1); short protein forms G468A.
Identifiers: ClinVar variation 2852923 (VCV002852923.3), dbSNP rs559396586, ClinGen allele CA407413610.